The following is an entry in ClinVar:

ClinVar aggregate classification (germline): Uncertain significance (1 of 4 stars; one submission).

Conditions:
RAB23-related disorder. Also called: RAB23-related condition.

Submission:

PreventionGenetics, part of Exact Sciences
Classification: Uncertain significance for RAB23-related condition. Last evaluated: 2026-03-27. Review status: criteria provided, single submitter. Criteria: ACMG Guidelines, 2015. Collection method: clinical testing. Allele origin: germline.
Comment: The RAB23 c.146G>A variant is predicted to result in the amino acid substitution p.Arg49Gln. To our knowledge, this variant has not been reported in the literature or in a large population database (gnomAD), indicating this variant is rare. At this time, the clinical significance of this variant is uncertain due to the absence of conclusive functional and genetic evidence.

NM_016277.5(RAB23):c.146G>A (p.Arg49Gln)

Gene: RAB23 (RAB23, member RAS oncogene family; minus strand). Cytogenetic location: 6p11.2.
Variant type: single nucleotide variant.
Coding change: c.146G>A on transcript NM_016277.5 (MANE Select); coding-DNA position 146, G replaced by A.
Protein change: p.Arg49Gln; replaces arginine 49 with glutamine.
Molecular consequence: missense variant. On other transcripts: non-coding transcript variant (1).
Genome position (GRCh38, 1-based): chr6:57,210,235, C>T on the plus strand (G>A on the coding strand, the complement: RAB23 is on the minus strand). VCF-style: chr6-57210235-C-T. GRCh37 (hg19) VCF-style: chr6-57075033-C-T.
Other names: c.146G>A, p.Arg49Gln (NM_001278666.2, NM_001278667.2, NM_001278668.2 and 1 more transcripts); short protein forms R49Q.
Identifiers: ClinVar variation 4986219 (VCV004986219.1).